The following is an entry in ClinVar:

NM_001723.7(DST):c.3442G>A (p.Ala1148Thr)

Gene: DST (dystonin; minus strand). Cytogenetic location: 6p12.1.
Variant type: single nucleotide variant.
Coding change: c.3442G>A on transcript NM_001723.7 (MANE Plus Clinical); coding-DNA position 3442, G replaced by A.
Protein change: p.Ala1148Thr; replaces alanine 1148 with threonine.
Molecular consequence: missense variant. On other transcripts: intron variant (10).
Genome position (GRCh38, 1-based): chr6:56,620,592, C>T on the plus strand (G>A on the coding strand, the complement: DST is on the minus strand). VCF-style: chr6-56620592-C-T. GRCh37 (hg19) VCF-style: chr6-56485390-C-T.
Other names: c.4830+3938G>A (NM_001144769.5); c.4929+3938G>A (NM_001374722.1, NM_001374736.1); c.4956+3938G>A (NM_001374734.1); c.4416+3938G>A (NM_001144770.2); c.4296+3938G>A (NM_001374730.1, NM_001386100.1, NM_183380.4 and 1 more transcripts); c.3318+3938G>A (NM_015548.5); short protein forms A1148T.
Identifiers: ClinVar variation 645266 (VCV000645266.8), dbSNP rs371236907, ClinGen allele CA3870712.

ClinVar aggregate classification (germline): Uncertain significance (1 of 4 stars; one submission).

Conditions:
Epidermolysis bullosa simplex 3, localized or generalized intermediate, with BP230 deficiency (EBS3). Also called: Epidermolysis bullosa simplex due to BP230 deficiency; Epidermolysis bullosa simplex, autosomal recessive 2. Identifiers: Orphanet 412181, MedGen C3809470, MONDO:0014180, OMIM 615425.
Hereditary sensory and autonomic neuropathy type 6. Also called: Neuropathy, hereditary sensory and autonomic, type VI; HSAN VI. Identifiers: Orphanet 314381, MedGen C3539003, MONDO:0013839, OMIM 614653.

Allele frequency attached by ClinVar (database versions not stated): gnomAD exomes 0.00002 and 0.00003; ExAC 0.00005; gnomAD 0.00006; TOPMed 0.00006; ESP Exome Variant Server 0.00008.
gnomAD v4.1: 19 of 1,613,928 alleles (0.0012%); highest among the groups gnomAD compares: African/African-American, 0.016%; no homozygotes.

Submission:

Labcorp Genetics (formerly Invitae), Labcorp
Classification: Uncertain significance for Epidermolysis bullosa simplex 3, localized or generalized intermediate, with BP230 deficiency; Hereditary sensory and autonomic neuropathy type 6. Last evaluated: 2022-07-06. Review status: criteria provided, single submitter. Criteria: Invitae Variant Classification Sherloc (09022015). Collection method: clinical testing. Allele origin: germline.
Comment: This sequence change replaces alanine, which is neutral and non-polar, with threonine, which is neutral and polar, at codon 1148 of the DST protein (p.Ala1148Thr). This variant is present in population databases (rs371236907, gnomAD 0.02%). This variant has not been reported in the literature in individuals affected with DST-related conditions. ClinVar contains an entry for this variant (Variation ID: 645266). Algorithms developed to predict the effect of missense changes on protein structure and function (SIFT, PolyPhen-2, Align-GVGD) all suggest that this variant is likely to be tolerated. Algorithms developed to predict the effect of sequence changes on RNA splicing suggest that this variant may create or strengthen a splice site. In summary, the available evidence is currently insufficient to determine the role of this variant in disease. Therefore, it has been classified as a Variant of Uncertain Significance.